The following is an entry in ClinVar:

ClinVar aggregate classification (germline): Uncertain significance (1 of 4 stars; one submission).

Allele frequency attached by ClinVar (database versions not stated): gnomAD 0.00001; TOPMed 0.00003.

Submission:

Labcorp Genetics (formerly Invitae), Labcorp
Classification: Uncertain significance. Last evaluated: 2023-02-03. Review status: criteria provided, single submitter. Criteria: Invitae Variant Classification Sherloc (09022015). Collection method: clinical testing. Allele origin: germline.
Comment: ClinVar contains an entry for this variant (Variation ID: 1391840). This variant has not been reported in the literature in individuals affected with NARS2-related conditions. The frequency data for this variant in the population databases is considered unreliable, as metrics indicate poor data quality at this position in the gnomAD database. This sequence change replaces arginine, which is basic and polar, with glutamine, which is neutral and polar, at codon 140 of the NARS2 protein (p.Arg140Gln). Advanced modeling of protein sequence and biophysical properties (such as structural, functional, and spatial information, amino acid conservation, physicochemical variation, residue mobility, and thermodynamic stability) performed at Invitae indicates that this missense variant is expected to disrupt NARS2 protein function. In summary, the available evidence is currently insufficient to determine the role of this variant in disease. Therefore, it has been classified as a Variant of Uncertain Significance.

NM_024678.6(NARS2):c.419G>A (p.Arg140Gln)

Gene: NARS2 (asparaginyl-tRNA synthetase 2, mitochondrial; minus strand). Cytogenetic location: 11q14.1.
Variant type: single nucleotide variant.
Coding change: c.419G>A on transcript NM_024678.6 (MANE Select); coding-DNA position 419, G replaced by A.
Protein change: p.Arg140Gln; replaces arginine 140 with glutamine.
Molecular consequence: missense variant. On other transcripts: 5 prime UTR variant (1).
Genome position (GRCh38, 1-based): chr11:78,566,226, C>T on the plus strand (G>A on the coding strand, the complement: NARS2 is on the minus strand). VCF-style: chr11-78566226-C-T. GRCh37 (hg19) VCF-style: chr11-78277272-C-T.
Other names: c.-263G>A (NM_001243251.2); short protein forms R140Q.
Identifiers: ClinVar variation 1391840 (VCV001391840.5), dbSNP rs757999669, ClinGen allele CA6205854.